The following is an entry in ClinVar:

NM_004984.4(KIF5A):c.2913_2914insA (p.Ala972fs)

Gene: KIF5A (kinesin family member 5A; plus strand). Cytogenetic location: 12q13.3.
Variant type: Insertion.
Coding change: c.2913_2914insA on transcript NM_004984.4 (MANE Select); coding-DNA positions 2913 to 2914, A inserted.
Protein change: p.Ala972fs; shifts the reading frame from alanine 972.
Molecular consequence: frameshift variant.
Genome position: GRCh38 VCF-style: chr12-57581873-T-TA. GRCh37 (hg19) VCF-style: chr12-57975656-T-TA.
Other names: c.2646_2647insA, p.Ala883fs (NM_001354705.2); short protein forms A972fs, A883fs.
Identifiers: ClinVar variation 573625 (VCV000573625.6), dbSNP rs1565705251, ClinGen allele CA891843505.

ClinVar aggregate classification (germline): Pathogenic (1 of 4 stars; one submission).

Conditions:
Spastic paraplegia. Identifiers: MedGen C0037772, HP:0001258.

Submission:

Labcorp Genetics (formerly Invitae), Labcorp
Classification: Pathogenic for Spastic paraplegia. Last evaluated: 2024-01-24. Review status: criteria provided, single submitter. Criteria: Invitae Variant Classification Sherloc (09022015). Collection method: clinical testing. Allele origin: germline.
Comment: This sequence change creates a premature translational stop signal (p.Ala972Serfs*34) in the KIF5A gene. It is expected to result in an absent or disrupted protein product. Loss-of-function variants in KIF5A are known to be pathogenic (PMID: 26374131). This variant is not present in population databases (gnomAD no frequency). This variant has not been reported in the literature in individuals affected with KIF5A-related conditions. ClinVar contains an entry for this variant (Variation ID: 573625). For these reasons, this variant has been classified as Pathogenic.

Literature cited by the submitters: PubMed 26374131.